The following is an entry in ClinVar:

NM_000535.7(PMS2):c.1331G>T (p.Arg444Met)

Gene: PMS2 (PMS1 homolog 2, mismatch repair system component; minus strand). Cytogenetic location: 7p22.1.
Variant type: single nucleotide variant.
Coding change: c.1331G>T on transcript NM_000535.7 (MANE Select); coding-DNA position 1331, G replaced by T.
Protein change: p.Arg444Met; replaces arginine 444 with methionine.
Molecular consequence: missense variant. On other transcripts: non-coding transcript variant (1).
Genome position (GRCh38, 1-based): chr7:5,987,434, C>A on the plus strand (G>T on the coding strand, the complement: PMS2 is on the minus strand). VCF-style: chr7-5987434-C-A. GRCh37 (hg19) VCF-style: chr7-6027065-C-A.
Other names: c.926G>T, p.Arg309Met (NM_001322003.2, NM_001322004.2, NM_001322005.2 and 1 more transcripts); c.1175G>T, p.Arg392Met (NM_001322006.2); c.1013G>T, p.Arg338Met (NM_001322007.2, NM_001322008.2); c.770G>T, p.Arg257Met (NM_001322010.2); c.398G>T, p.Arg133Met (NM_001322011.2, NM_001322012.2); c.758G>T, p.Arg253Met (NM_001322013.2); c.1331G>T, p.Arg444Met (NM_001322014.2); c.1022G>T, p.Arg341Met (NM_001322015.2); short protein forms R257M, R338M, R392M, R253M, R444M, R341M, R133M, R309M.
Identifiers: ClinVar variation 927456 (VCV000927456.17), dbSNP rs1241272236, ClinGen allele CA366742318.

ClinVar aggregate classification (germline): Conflicting classifications of pathogenicity. Review status: criteria provided, conflicting classifications (1 of 4 stars). 4 submissions from 4 submitters: Uncertain significance (3); Likely benign (1). Last evaluated 2024-09-13.

Conditions:
Hereditary cancer-predisposing syndrome. Also called: Neoplastic Syndromes, Hereditary; Hereditary Cancer Syndrome; Tumor predisposition; Hereditary neoplastic syndrome. Identifiers: Orphanet 140162, MedGen C0027672, MeSH D009386, MONDO:0015356.
Hereditary nonpolyposis colorectal neoplasms. Identifiers: MedGen C0009405, MeSH D003123.

Allele frequency attached by ClinVar (database versions not stated): TOPMed 0.00001.

Submissions (4):

Ambry Genetics
Classification: Likely benign for Hereditary cancer-predisposing syndrome. Last evaluated: 2024-09-13. Review status: criteria provided, single submitter. Criteria: Ambry Variant Classification Scheme 2023. Collection method: clinical testing. Allele origin: germline.

GeneDx
Classification: Uncertain significance. Last evaluated: 2024-08-23. Review status: criteria provided, single submitter. Criteria: GeneDx Variant Classification Process June 2021. Collection method: clinical testing. Allele origin: germline. Affected: yes.
Comment: Not observed at significant frequency in large population cohorts (gnomAD); In silico analysis indicates that this missense variant does not alter protein structure/function; Has not been previously published as pathogenic or benign to our knowledge

Labcorp Genetics (formerly Invitae), Labcorp
Classification: Uncertain significance for Hereditary nonpolyposis colorectal neoplasms. Last evaluated: 2024-01-10. Review status: criteria provided, single submitter. Criteria: Invitae Variant Classification Sherloc (09022015). Collection method: clinical testing. Allele origin: germline.
Comment: This sequence change replaces arginine, which is basic and polar, with methionine, which is neutral and non-polar, at codon 444 of the PMS2 protein (p.Arg444Met). This variant is not present in population databases (gnomAD no frequency). This variant has not been reported in the literature in individuals affected with PMS2-related conditions. ClinVar contains an entry for this variant (Variation ID: 927456). Advanced modeling of protein sequence and biophysical properties (such as structural, functional, and spatial information, amino acid conservation, physicochemical variation, residue mobility, and thermodynamic stability) performed at Invitae indicates that this missense variant is not expected to disrupt PMS2 protein function with a negative predictive value of 80%. In summary, the available evidence is currently insufficient to determine the role of this variant in disease. Therefore, it has been classified as a Variant of Uncertain Significance.

Color Diagnostics, LLC DBA Color Health
Classification: Uncertain significance for Hereditary cancer-predisposing syndrome. Last evaluated: 2023-12-05. Review status: criteria provided, single submitter. Criteria: ACMG Guidelines, 2015. Collection method: clinical testing. Allele origin: germline.
Comment: This missense variant replaces arginine with methionine at codon 444 of the PMS2 protein. Computational prediction suggests that this variant may not impact protein structure and function (internally defined REVEL score threshold <= 0.5, PMID: 27666373). To our knowledge, functional studies have not been reported for this variant. This variant has not been reported in individuals affected with PMS2-related disorders in the literature. This variant has not been identified in the general population by the Genome Aggregation Database (gnomAD). The available evidence is insufficient to determine the role of this variant in disease conclusively. Therefore, this variant is classified as a Variant of Uncertain Significance.